The following is an entry in ClinVar:

NM_002547.3(OPHN1):c.2073A>G (p.Gly691=)

Gene: OPHN1 (oligophrenin 1; minus strand). Cytogenetic location: Xq12.
Variant type: single nucleotide variant.
Coding change: c.2073A>G on transcript NM_002547.3 (MANE Select); coding-DNA position 2073, A replaced by G.
Protein change: p.Gly691=; no amino-acid change (glycine 691 retained).
Molecular consequence: synonymous variant.
Genome position (GRCh38, 1-based): chrX:68,063,939, T>C on the plus strand (A>G on the coding strand, the complement: OPHN1 is on the minus strand). VCF-style: chrX-68063939-T-C. GRCh37 (hg19) VCF-style: chrX-67283781-T-C.
Identifiers: ClinVar variation 2660779 (VCV002660779.24), dbSNP rs2519631922, ClinGen allele CA517048667.

ClinVar aggregate classification (germline): Likely benign (1 of 4 stars; one submission).

Submission:

CeGaT Center for Human Genetics Tuebingen
Classification: Likely benign. Last evaluated: 2023-02-01. Review status: criteria provided, single submitter. Criteria: CeGaT Center For Human Genetics Tuebingen Variant Classification Criteria Version 2. Collection method: clinical testing. Allele origin: germline. Affected: yes. Observed: 1 variant allele.
Comment: OPHN1: PM2:Supporting, BP4, BP7